The following is an entry in ClinVar:

ClinVar aggregate classification (germline): Uncertain significance (1 of 4 stars; one submission).

Submission:

Labcorp Genetics (formerly Invitae), Labcorp
Classification: Uncertain significance. Last evaluated: 2024-06-26. Review status: criteria provided, single submitter. Criteria: Invitae Variant Classification Sherloc (09022015). Collection method: clinical testing. Allele origin: germline.
Comment: This sequence change replaces valine, which is neutral and non-polar, with phenylalanine, which is neutral and non-polar, at codon 444 of the CDHR1 protein (p.Val444Phe). This variant is not present in population databases (gnomAD no frequency). This missense change has been observed in individual(s) with clinical features of CDHR1-related conditions (Invitae). Advanced modeling of protein sequence and biophysical properties (such as structural, functional, and spatial information, amino acid conservation, physicochemical variation, residue mobility, and thermodynamic stability) performed at Invitae indicates that this missense variant is not expected to disrupt CDHR1 protein function with a negative predictive value of 80%. In summary, the available evidence is currently insufficient to determine the role of this variant in disease. Therefore, it has been classified as a Variant of Uncertain Significance.

NM_033100.4(CDHR1):c.1330G>T (p.Val444Phe)

Gene: CDHR1 (cadherin related family member 1; plus strand). Cytogenetic location: 10q23.1.
Variant type: single nucleotide variant.
Coding change: c.1330G>T on transcript NM_033100.4 (MANE Select); coding-DNA position 1330, G replaced by T.
Protein change: p.Val444Phe; replaces valine 444 with phenylalanine.
Molecular consequence: missense variant.
Genome position (GRCh38, 1-based): chr10:84,211,010, G>T. VCF-style: chr10-84211010-G-T. GRCh37 (hg19) VCF-style: chr10-85970766-G-T.
Other names: c.1330G>T, p.Val444Phe (NM_001171971.3); short protein forms V444F.
Identifiers: ClinVar variation 3654576 (VCV003654576.2).